The following is an entry in ClinVar:

ClinVar aggregate classification (germline): Pathogenic/Likely pathogenic. Review status: criteria provided, multiple submitters, no conflicts (2 of 4 stars). 2 submissions from 2 submitters: Pathogenic (1); Likely pathogenic (1). Last evaluated 2024-08-08.

Conditions:
Stuve-Wiedemann syndrome (STWS). Also called: Stüve-Wiedemann syndrome. Identifiers: Orphanet 3206, MedGen C0796176, MONDO:0031280.

Submissions (2):

Natera, Inc.
Classification: Likely pathogenic for Stuve-Wiedemann syndrome. Last evaluated: 2024-08-08. Review status: criteria provided, single submitter. Criteria: Natera Variant Classification Schema (03/2026). Collection method: clinical testing. Allele origin: germline.
Comment: The c.2351_2357delAAGTTAA variant in LIFR is a frameshift variant predicted to shift the reading frame beginning at codon 784 and leads to a stop codon 11 codons downstream. This variant is expected to result in nonsense mediated decay, truncation, or a dysfunctional protein product. This variant is rare in the general population with a frequency below the threshold expected for the associated phenotype(s). Given the available evidence, this variant is classified as Likely Pathogenic.

Labcorp Genetics (formerly Invitae), Labcorp
Classification: Pathogenic. Last evaluated: 2021-11-18. Review status: criteria provided, single submitter. Criteria: Invitae Variant Classification Sherloc (09022015). Collection method: clinical testing. Allele origin: germline.
Comment: This variant has not been reported in the literature in individuals affected with LIFR-related conditions. For these reasons, this variant has been classified as Pathogenic. This variant is not present in population databases (gnomAD no frequency). This sequence change creates a premature translational stop signal (p.Lys784Argfs*11) in the LIFR gene. It is expected to result in an absent or disrupted protein product. Loss-of-function variants in LIFR are known to be pathogenic (PMID: 14740318).

Literature cited by the submitters: PubMed 14740318 (cited by Labcorp Genetics (formerly Invitae), Labcorp).

NM_001127671.2(LIFR):c.2351_2357del (p.Lys784fs)

Gene: LIFR (LIF receptor subunit alpha; minus strand). Cytogenetic location: 5p13.1.
Variant type: Deletion.
Coding change: c.2351_2357del on transcript NM_001127671.2 (MANE Select); coding-DNA positions 2351 to 2357, 7 bases deleted (AAGTTAA; older notation c.2351_2357delAAGTTAA).
Protein change: p.Lys784fs; shifts the reading frame from lysine 784.
Molecular consequence: frameshift variant.
Genome position (GRCh38, 1-based): chr5:38,485,959-38,485,965, TTAACTT deleted on the plus strand (AAGTTAA on the coding strand, the reverse complement: LIFR is on the minus strand); deleting any 7 consecutive bases within chr5:38,485,959-38,485,968 gives the same sequence; the c. name uses the placement nearest the transcript's 3' end. VCF-style (leftmost placement, unchanged base first): chr5-38485958-CTTAACTT-C. GRCh37 (hg19) VCF-style: chr5-38486060-CTTAACTT-C.
Other names: c.2351_2357del, p.Lys784fs (NM_001364297.2, NM_001364298.2, NM_002310.6); c.2351_2357delAAGTTAA (NM_002310.5); short protein forms K784fs.
Identifiers: ClinVar variation 1452078 (VCV001452078.7), dbSNP rs2112377756, ClinGen allele CA2573139664.